The following is an entry in ClinVar:

NM_002471.4(MYH6):c.4527G>A (p.Glu1509=)

Gene: MYH6 (myosin heavy chain 6; minus strand). Cytogenetic location: 14q11.2.
Variant type: single nucleotide variant.
Coding change: c.4527G>A on transcript NM_002471.4 (MANE Select); coding-DNA position 4527, G replaced by A.
Protein change: p.Glu1509=; no amino-acid change (glutamic acid 1509 retained).
Molecular consequence: synonymous variant.
Genome position (GRCh38, 1-based): chr14:23,387,652, C>T on the plus strand (G>A on the coding strand, the complement: MYH6 is on the minus strand). VCF-style: chr14-23387652-C-T. GRCh37 (hg19) VCF-style: chr14-23856861-C-T.
Identifiers: ClinVar variation 44515 (VCV000044515.37), dbSNP rs34855944, ClinGen allele CA134412.
Genomic context (GRCh38, chr14:23,387,652, plus strand): 5'-CTCCAGCTCATGCACATTCTTTCCTCCTTCTCCTAGCTGCTCAGTAAGGTCCGAGATTTC[C>T]TCTGGGGACCAGAGGGCCAGAAAGCTCAAAGCCTATGTTCCCCCTGCCCCTGCATGGCCC-3'
Protein context (NP_002462.2, residues 1499-1519): TFKRENKNLQ[Glu1509=]EISDLTEQLG

ClinVar aggregate classification (germline): Benign. Review status: criteria provided, multiple submitters, no conflicts (2 of 4 stars). 12 submissions from 12 submitters: Benign (8). 4 of the submissions do not count toward it. Last evaluated 2026-02-03.

Conditions:
Cardiovascular phenotype. Identifiers: MedGen CN230736.
Hypertrophic cardiomyopathy 14. Identifiers: MedGen C2750467, MONDO:0013197, OMIM 613251.

Allele frequency attached by ClinVar (database versions not stated): gnomAD exomes 0.00688 and 0.01013; ExAC 0.01138; gnomAD 0.02537 and 0.02632; TOPMed 0.02820; ESP Exome Variant Server 0.02891; 1000 Genomes Project 0.03255; 1000 Genomes Project 30x 0.03545.
gnomAD v4.1: 14,084 of 1,614,074 alleles (0.87%); highest among the groups gnomAD compares: African/African-American, 7.5%; 262 homozygotes.

Submissions (12):

Labcorp Genetics (formerly Invitae), Labcorp
Classification: Benign for Hypertrophic cardiomyopathy 14. Last evaluated: 2026-02-03. Review status: criteria provided, single submitter. Criteria: Invitae Variant Classification Sherloc (09022015). Collection method: clinical testing. Allele origin: germline.

ARUP Laboratories, Molecular Genetics and Genomics, ARUP Laboratories
Classification: Benign. Last evaluated: 2025-07-22. Review status: criteria provided, single submitter. Criteria: ARUP Molecular Germline Variant Investigation Process 2024. Collection method: clinical testing. Allele origin: germline.

Molecular Diagnostic Laboratory for Inherited Cardiovascular Disease, Montreal Heart Institute
Classification: Benign. Last evaluated: 2017-07-15. Review status: criteria provided, single submitter. Criteria: ACMG Guidelines, 2015. Collection method: clinical testing. Allele origin: germline. Affected: yes.

GeneDx
Classification: Benign. Last evaluated: 2016-10-13. Review status: criteria provided, single submitter. Criteria: GeneDx Variant Classification (06012015). Collection method: clinical testing. Allele origin: germline. Affected: yes.
Comment: This variant is considered likely benign or benign based on one or more of the following criteria: it is a conservative change, it occurs at a poorly conserved position in the protein, it is predicted to be benign by multiple in silico algorithms, and/or has population frequency not consistent with disease.

Ambry Genetics
Classification: Benign for Cardiovascular phenotype. Last evaluated: 2015-07-08. Review status: criteria provided, single submitter. Criteria: Ambry Variant Classification Scheme 2023. Collection method: clinical testing. Allele origin: germline.

Laboratory for Molecular Medicine, Mass General Brigham Personalized Medicine
Classification: Benign. Last evaluated: 2012-05-24. Review status: criteria provided, single submitter. Criteria: LMM Criteria. Collection method: clinical testing. Allele origin: germline. Observed: 51 variant alleles.
Comment: 7.3% (273/3738) of Afr Amer chrom in ESP

Breakthrough Genomics
Classification: Benign. Review status: criteria provided, single submitter. Criteria: ACMG Guidelines, 2015. Collection method: not provided. Allele origin: germline. Inheritance: Autosomal dominant inheritance. Affected: yes.

PreventionGenetics, part of Exact Sciences
Classification: Benign. Review status: criteria provided, single submitter. Criteria: ACMG Guidelines, 2015. Collection method: clinical testing. Allele origin: germline.

Clinical Genetics DNA and cytogenetics Diagnostics Lab, Erasmus MC, Erasmus Medical Center
Classification: Benign. Review status: no assertion criteria provided. Collection method: clinical testing. Allele origin: germline. Affected: yes. Study: VKGL Data-share Consensus. Not counted in ClinVar's aggregate classification.

Clinical Genetics, Academic Medical Center
Classification: Benign. Review status: no assertion criteria provided. Collection method: clinical testing. Allele origin: germline. Affected: yes. Study: VKGL Data-share Consensus. Not counted in ClinVar's aggregate classification.

Genome Diagnostics Laboratory, University Medical Center Utrecht
Classification: Benign. Review status: no assertion criteria provided. Collection method: clinical testing. Allele origin: germline. Affected: yes. Study: VKGL Data-share Consensus. Not counted in ClinVar's aggregate classification.

Joint Genome Diagnostic Labs from Nijmegen and Maastricht, Radboudumc and MUMC+
Classification: Benign. Review status: no assertion criteria provided. Collection method: clinical testing. Allele origin: germline. Affected: yes. Study: VKGL Data-share Consensus. Not counted in ClinVar's aggregate classification.